The following is an entry in ClinVar:

ClinVar aggregate classification (germline): Benign. Review status: criteria provided, multiple submitters, no conflicts (2 of 4 stars). 2 submissions from 2 submitters: Benign (2). Last evaluated 2018-06-16.

Allele frequency attached by ClinVar (database versions not stated): TOPMed 0.04424; 1000 Genomes Project 30x 0.07448; 1000 Genomes Project 0.07568.
gnomAD v4.1: 19,541 of 461,380 alleles (4.2%); highest among the groups gnomAD compares: South Asian, 15%; 987 homozygotes.

Submissions (2):

GeneDx
Classification: Benign. Last evaluated: 2018-06-16. Review status: criteria provided, single submitter. Criteria: GeneDx Variant Classification (06012015). Collection method: clinical testing. Allele origin: germline. Affected: yes.
Comment: This variant is considered likely benign or benign based on one or more of the following criteria: it is a conservative change, it occurs at a poorly conserved position in the protein, it is predicted to be benign by multiple in silico algorithms, and/or has population frequency not consistent with disease.

Breakthrough Genomics
Classification: Benign. Review status: criteria provided, single submitter. Criteria: ACMG Guidelines, 2015. Collection method: not provided. Allele origin: germline. Inheritance: Autosomal recessive inheritance. Affected: yes.

NM_001267550.2(TTN):c.46696+294G>A

Genes: TTN (titin; minus strand), TTN-AS1 (TTN antisense RNA 1; plus strand). Cytogenetic location: 2q31.2.
Variant type: single nucleotide variant.
Coding change: c.46696+294G>A on transcript NM_001267550.2 (MANE Select); 294 bases into the intron after coding-DNA position 46696, G replaced by A.
Molecular consequence: intron variant.
Genome position (GRCh38, 1-based): chr2:178,619,327, C>T on the plus strand (G>A on the coding strand, the complement: TTN is on the minus strand). VCF-style: chr2-178619327-C-T. GRCh37 (hg19) VCF-style: chr2-179484054-C-T.
Other names: c.19501+294G>A (NM_003319.4); c.20077+294G>A (NM_133437.4); c.19876+294G>A (NM_133432.3); c.38992+294G>A (NM_133378.4); c.41773+294G>A (NM_001256850.1).
Identifiers: ClinVar variation 680850 (VCV000680850.2), dbSNP rs1864243, ClinGen allele CA15190350.